The following is an entry in ClinVar:

NM_198578.4(LRRK2):c.5066A>G (p.Glu1689Gly)

Gene: LRRK2 (leucine rich repeat kinase 2; plus strand). Cytogenetic location: 12q12.
Variant type: single nucleotide variant.
Coding change: c.5066A>G on transcript NM_198578.4 (MANE Select); coding-DNA position 5066, A replaced by G.
Protein change: p.Glu1689Gly; replaces glutamic acid 1689 with glycine.
Molecular consequence: missense variant.
Genome position (GRCh38, 1-based): chr12:40,321,084, A>G. VCF-style: chr12-40321084-A-G. GRCh37 (hg19) VCF-style: chr12-40714886-A-G.
Other names: short protein forms E1689G.
Identifiers: ClinVar variation 3540682 (VCV003540682.3).

ClinVar aggregate classification (germline): Uncertain significance. Review status: criteria provided, multiple submitters, no conflicts (2 of 4 stars). 2 submissions from 2 submitters: Uncertain significance (2). Last evaluated 2024-09-16.

Conditions:
Autosomal dominant Parkinson disease 8. Also called: LRRK2-Related Parkinson Disease; Parkinson disease 8; Parkinson disease 8, susceptibility to. Identifiers: Orphanet 411602, MedGen C1846862, MONDO:0011764, OMIM 607060.
Inborn genetic diseases. Identifiers: MedGen C0950123, MeSH D030342.

Submissions (2):

Ambry Genetics
Classification: Uncertain significance for Inborn genetic diseases. Last evaluated: 2024-09-16. Review status: criteria provided, single submitter. Criteria: Ambry Variant Classification Scheme 2023. Collection method: clinical testing. Allele origin: germline.
Comment: The p.E1689G variant (also known as c.5066A>G), located in coding exon 35 of the LRRK2 gene, results from an A to G substitution at nucleotide position 5066. The glutamic acid at codon 1689 is replaced by glycine, an amino acid with similar properties. This amino acid position is conserved. In addition, this alteration is predicted to be deleterious by in silico analysis. Based on the available evidence, the clinical significance of this variant remains unclear.

Labcorp Genetics (formerly Invitae), Labcorp
Classification: Uncertain significance for Autosomal dominant Parkinson disease 8. Last evaluated: 2024-06-03. Review status: criteria provided, single submitter. Criteria: Invitae Variant Classification Sherloc (09022015). Collection method: clinical testing. Allele origin: germline.
Comment: This sequence change replaces glutamic acid, which is acidic and polar, with glycine, which is neutral and non-polar, at codon 1689 of the LRRK2 protein (p.Glu1689Gly). This variant is not present in population databases (gnomAD no frequency). This variant has not been reported in the literature in individuals affected with LRRK2-related conditions. Advanced modeling of protein sequence and biophysical properties (such as structural, functional, and spatial information, amino acid conservation, physicochemical variation, residue mobility, and thermodynamic stability) has been performed at Invitae for this missense variant, however the output from this modeling did not meet the statistical confidence thresholds required to predict the impact of this variant on LRRK2 protein function. In summary, the available evidence is currently insufficient to determine the role of this variant in disease. Therefore, it has been classified as a Variant of Uncertain Significance.